The following is an entry in ClinVar:

ClinVar aggregate classification (germline): Uncertain significance. Review status: criteria provided, multiple submitters, no conflicts (2 of 4 stars). 3 submissions from 3 submitters: Uncertain significance (3). Last evaluated 2026-01-25.

Conditions:
Noonan syndrome 4 (NS4). Also called: NOONAN SYNDROME WITH PIGMENTED VILLONODULAR SYNOVITIS; SOS1-Related Noonan Syndrome. Identifiers: Orphanet 648, MedGen C1853120, MONDO:0012547, OMIM 610733.
Cardiovascular phenotype. Identifiers: MedGen CN230736.
RASopathy. Also called: rasopathies; Noonan spectrum disorder. Identifiers: Orphanet 536391, MedGen C5555857, MONDO:0021060.

Allele frequency attached by ClinVar (database versions not stated): TOPMed below 0.00001.

Submissions (3):

Ambry Genetics
Classification: Uncertain significance for Cardiovascular phenotype. Last evaluated: 2026-01-25. Review status: criteria provided, single submitter. Criteria: Ambry Variant Classification Scheme 2023. Collection method: clinical testing. Allele origin: germline.
Comment: The p.S571R variant (also known as c.1711A>C), located in coding exon 10 of the SOS1 gene, results from an A to C substitution at nucleotide position 1711. The serine at codon 571 is replaced by arginine, an amino acid with dissimilar properties. This amino acid position is conserved. In addition, this alteration is predicted to be tolerated by in silico analysis. Based on the available evidence, the clinical significance of this variant remains unclear.

Clinical Genomics Laboratory, Washington University in St. Louis
Classification: Uncertain significance for Noonan syndrome 4. Last evaluated: 2025-08-26. Review status: criteria provided, single submitter. Criteria: ACMG Guidelines, 2015. Collection method: clinical testing. Allele origin: germline.
Comment: A SOS1 c.1711A>C (p.Ser571Arg) variant was identified at a heterozygous allelic fraction of 49.9%, a frequency which may be consistent with it being of germline origin. This variant, to our knowledge, has not been reported in the medical literature but has been reported as a germline variant of uncertain significance in the ClinVar database by one submitter (ClinVar ID: 1983238). It is absent from the general population (gnomAD v4.1.0), indicating it is not a common variant. Computational predictors are uncertain as to the impact of this variant on SOS1 function. Due to limited information, and based on ACMG/AMP guidelines for variant interpretation (Richards S et al., PMID: 25741868), the clinical significance of this variant is uncertain at this time.

Labcorp Genetics (formerly Invitae), Labcorp
Classification: Uncertain significance for RASopathy. Last evaluated: 2024-06-30. Review status: criteria provided, single submitter. Criteria: Invitae Variant Classification Sherloc (09022015). Collection method: clinical testing. Allele origin: germline.
Comment: This sequence change replaces serine, which is neutral and polar, with arginine, which is basic and polar, at codon 571 of the SOS1 protein (p.Ser571Arg). This variant is not present in population databases (gnomAD no frequency). This variant has not been reported in the literature in individuals affected with SOS1-related conditions. ClinVar contains an entry for this variant (Variation ID: 1983238). Advanced modeling of protein sequence and biophysical properties (such as structural, functional, and spatial information, amino acid conservation, physicochemical variation, residue mobility, and thermodynamic stability) has been performed at Invitae for this missense variant, however the output from this modeling did not meet the statistical confidence thresholds required to predict the impact of this variant on SOS1 protein function. In summary, the available evidence is currently insufficient to determine the role of this variant in disease. Therefore, it has been classified as a Variant of Uncertain Significance.

NM_005633.4(SOS1):c.1711A>C (p.Ser571Arg)

Gene: SOS1 (SOS Ras/Rac guanine nucleotide exchange factor 1; minus strand). Cytogenetic location: 2p22.1.
Variant type: single nucleotide variant.
Coding change: c.1711A>C on transcript NM_005633.4 (MANE Select); coding-DNA position 1711, A replaced by C.
Protein change: p.Ser571Arg; replaces serine 571 with arginine.
Molecular consequence: missense variant.
Genome position (GRCh38, 1-based): chr2:39,022,717, T>G on the plus strand (A>C on the coding strand, the complement: SOS1 is on the minus strand). VCF-style: chr2-39022717-T-G. GRCh37 (hg19) VCF-style: chr2-39249858-T-G.
Other names: c.1690A>C, p.Ser564Arg (NM_001382394.1); c.1711A>C, p.Ser571Arg (NM_001382395.1); short protein forms S564R, S571R.
Identifiers: ClinVar variation 1983238 (VCV001983238.6), dbSNP rs1669835768, ClinGen allele CA346365561.